The following is an entry in ClinVar:

ClinVar aggregate classification (germline): Uncertain significance. Review status: criteria provided, multiple submitters, no conflicts (2 of 4 stars). 3 submissions from 3 submitters: Uncertain significance (3). Last evaluated 2025-09-26.

Conditions:
Inborn genetic diseases. Identifiers: MedGen C0950123, MeSH D030342.
Achondrogenesis, type IA (ACG1A). Identifiers: Orphanet 932, Orphanet 93299, MedGen C0265273, MONDO:0008701, OMIM 200600.

Allele frequency attached by ClinVar (database versions not stated): gnomAD 0.00001 and 0.00002; gnomAD exomes 0.00001; ExAC 0.00002; ESP Exome Variant Server 0.00008; 1000 Genomes Project 0.00020; 1000 Genomes Project 30x 0.00031.
gnomAD v4.1: 27 of 1,614,210 alleles (0.0017%); highest among the groups gnomAD compares: East Asian, 0.0045%; no homozygotes.

Submissions (3):

Ambry Genetics
Classification: Uncertain significance for Inborn genetic diseases. Last evaluated: 2025-09-26. Review status: criteria provided, single submitter. Criteria: Ambry Variant Classification Scheme 2023. Collection method: clinical testing. Allele origin: germline.

Labcorp Genetics (formerly Invitae), Labcorp
Classification: Uncertain significance for Achondrogenesis, type IA. Last evaluated: 2025-03-07. Review status: criteria provided, single submitter. Criteria: Invitae Variant Classification Sherloc (09022015). Collection method: clinical testing. Allele origin: germline.
Comment: This sequence change replaces arginine, which is basic and polar, with cysteine, which is neutral and slightly polar, at codon 1926 of the TRIP11 protein (p.Arg1926Cys). This variant is present in population databases (rs201962758, gnomAD 0.007%). This variant has not been reported in the literature in individuals affected with TRIP11-related conditions. ClinVar contains an entry for this variant (Variation ID: 1436039). Invitae Evidence Modeling of protein sequence and biophysical properties (such as structural, functional, and spatial information, amino acid conservation, physicochemical variation, residue mobility, and thermodynamic stability) indicates that this missense variant is not expected to disrupt TRIP11 protein function with a negative predictive value of 80%. In summary, the available evidence is currently insufficient to determine the role of this variant in disease. Therefore, it has been classified as a Variant of Uncertain Significance.

Blueprint Genetics
Classification: Uncertain significance. Last evaluated: 2024-03-11. Review status: criteria provided, single submitter. Criteria: ACMG Guidelines, 2015. Collection method: clinical testing. Allele origin: germline.

NM_004239.4(TRIP11):c.5776C>T (p.Arg1926Cys)

Gene: TRIP11 (thyroid hormone receptor interactor 11; minus strand). Cytogenetic location: 14q32.12.
Variant type: single nucleotide variant.
Coding change: c.5776C>T on transcript NM_004239.4 (MANE Select); coding-DNA position 5776, C replaced by T.
Protein change: p.Arg1926Cys; replaces arginine 1926 with cysteine.
Molecular consequence: missense variant.
Genome position (GRCh38, 1-based): chr14:91,969,837, G>A on the plus strand (C>T on the coding strand, the complement: TRIP11 is on the minus strand). VCF-style: chr14-91969837-G-A. GRCh37 (hg19) VCF-style: chr14-92436181-G-A.
Other names: c.5773C>T, p.Arg1925Cys (NM_001321851.1); c.5776C>T (NM_004239.3); short protein forms R1925C, R1926C.
Identifiers: ClinVar variation 1436039 (VCV001436039.10), dbSNP rs201962758, ClinGen allele CA7313051.